The following is an entry in ClinVar:

NM_181078.3(IL21R):c.359C>T (p.Pro120Leu)

Gene: IL21R (interleukin 21 receptor; plus strand). Cytogenetic location: 16p12.1.
Variant type: single nucleotide variant.
Coding change: c.359C>T on transcript NM_181078.3 (MANE Select); coding-DNA position 359, C replaced by T.
Protein change: p.Pro120Leu; replaces proline 120 with leucine.
Molecular consequence: missense variant.
Genome position (GRCh38, 1-based): chr16:27,442,968, C>T. VCF-style: chr16-27442968-C-T. GRCh37 (hg19) VCF-style: chr16-27454289-C-T.
Other names: c.359C>T, p.Pro120Leu (NM_021798.4); c.425C>T, p.Pro142Leu (NM_181079.5); short protein forms P120L, P142L.
Identifiers: ClinVar variation 2071561 (VCV002071561.4), dbSNP rs1220183340, ClinGen allele CA395301755.

ClinVar aggregate classification (germline): Uncertain significance (1 of 4 stars; one submission).

Conditions:
Cryptosporidiosis-chronic cholangitis-liver disease syndrome. Also called: Immunodeficiency type 56; IL21R immunodeficiency. Identifiers: Orphanet 357329, MedGen C3554687, MONDO:0014082, OMIM 615207.

Allele frequency attached by ClinVar (database versions not stated): TOPMed below 0.00001; gnomAD exomes below 0.00001; gnomAD 0.00001.
gnomAD v4.1: 8 of 1,580,364 alleles (0.00051%); highest among the groups gnomAD compares: East Asian, 0.0046%; no homozygotes.

Submission:

Labcorp Genetics (formerly Invitae), Labcorp
Classification: Uncertain significance for Cryptosporidiosis-chronic cholangitis-liver disease syndrome. Last evaluated: 2022-02-27. Review status: criteria provided, single submitter. Criteria: Invitae Variant Classification Sherloc (09022015). Collection method: clinical testing. Allele origin: germline.
Comment: Algorithms developed to predict the effect of missense changes on protein structure and function output the following: SIFT: "Tolerated"; PolyPhen-2: "Possibly Damaging"; Align-GVGD: "Class C0". The leucine amino acid residue is found in multiple mammalian species, which suggests that this missense change does not adversely affect protein function. In summary, the available evidence is currently insufficient to determine the role of this variant in disease. Therefore, it has been classified as a Variant of Uncertain Significance. This variant has not been reported in the literature in individuals affected with IL21R-related conditions. This variant is present in population databases (no rsID available, gnomAD 0.002%). This sequence change replaces proline, which is neutral and non-polar, with leucine, which is neutral and non-polar, at codon 120 of the IL21R protein (p.Pro120Leu).